The following is an entry in ClinVar:

ClinVar aggregate classification (germline): Uncertain significance (1 of 4 stars; one submission).

Conditions:
Immunodeficiency 39 (IMD39). Identifiers: Orphanet 574918, MedGen C4225358, MONDO:0014597, OMIM 616345.

Submission:

Labcorp Genetics (formerly Invitae), Labcorp
Classification: Uncertain significance for Immunodeficiency 39. Last evaluated: 2025-07-20. Review status: criteria provided, single submitter. Criteria: Invitae Variant Classification Sherloc (09022015). Collection method: clinical testing. Allele origin: germline.
Comment: This sequence change creates a premature translational stop signal (p.Gly10Alafs*56) in the IRF7 gene. It is expected to result in an absent or disrupted protein product. However, the current clinical and genetic evidence is not sufficient to establish whether loss-of-function variants in IRF7 cause disease. This variant is not present in population databases (gnomAD no frequency). This variant has not been reported in the literature in individuals affected with IRF7-related conditions. In summary, the available evidence is currently insufficient to determine the role of this variant in disease. Therefore, it has been classified as a Variant of Uncertain Significance.

NM_001572.5(IRF7):c.21-33del

Gene: IRF7 (interferon regulatory factor 7; minus strand). Cytogenetic location: 11p15.5.
Variant type: Deletion.
Coding change: c.21-33del on transcript NM_001572.5 (MANE Select); 33 bases into the intron before coding-DNA position 21, one base deleted (C; older notation c.21-33delC).
Molecular consequence: intron variant. On other transcripts: frameshift variant (3).
Genome position (GRCh38, 1-based): chr11:615,292, G deleted on the plus strand (C on the coding strand, the reverse complement: IRF7 is on the minus strand); the first of 2 consecutive G bases (chr11:615,292-615,293); deleting either gives the same sequence. VCF-style (leftmost placement, unchanged base first): chr11-615291-CG-C. GRCh37 (hg19) VCF-style: chr11-615291-CG-C.
Other names: c.27del, p.Gly10fs (NM_001440440.1, NM_001440444.1, NM_004031.4); c.21-33del (NM_001440446.1, NM_001440445.1, NM_001440442.1 and 1 more transcripts); short protein forms G10fs.
Identifiers: ClinVar variation 4723291 (VCV004723291.1).
Genomic context (GRCh38, chr11:615,291, plus strand): 5'-ACTCTCCGAACAGCACGCGTGGGGCTGCCCTGCGGGTGCCCGGCCGCGGAGAGTCAGGGC[CG>C]GCTGCAGGGCGCTCGGGGACTGGCATCTGGAGAGGGTGGGCCGGGCTCTTACCTCTCAGG-3'